The following is an entry in ClinVar:

ClinVar aggregate classification (germline): Conflicting classifications of pathogenicity. Review status: criteria provided, conflicting classifications (1 of 4 stars). 3 submissions from 3 submitters: Uncertain significance (2); Likely benign (1). Last evaluated 2025-04-07.

Conditions:
Inborn genetic diseases. Identifiers: MedGen C0950123, MeSH D030342.

Allele frequency attached by ClinVar (database versions not stated): gnomAD exomes 0.00001 and 0.00002; ExAC 0.00002; gnomAD 0.00004 and 0.00005; TOPMed 0.00008; 1000 Genomes Project 0.00020; 1000 Genomes Project 30x 0.00031.
gnomAD v4.1: 20 of 1,613,948 alleles (0.0012%); highest among the groups gnomAD compares: African/African-American, 0.02%; no homozygotes.

Submissions (3):

Labcorp Genetics (formerly Invitae), Labcorp
Classification: Uncertain significance. Last evaluated: 2025-04-07. Review status: criteria provided, single submitter. Criteria: Invitae Variant Classification Sherloc (09022015). Collection method: clinical testing. Allele origin: germline.
Comment: This sequence change replaces cysteine, which is neutral and slightly polar, with serine, which is neutral and polar, at codon 563 of the SLC1A2 protein (p.Cys563Ser). This variant is present in population databases (rs201454950, gnomAD 0.02%). This variant has not been reported in the literature in individuals affected with SLC1A2-related conditions. ClinVar contains an entry for this variant (Variation ID: 1362190). An algorithm developed to predict the effect of missense changes on protein structure and function (PolyPhen-2) suggests that this variant is likely to be tolerated. In summary, the available evidence is currently insufficient to determine the role of this variant in disease. Therefore, it has been classified as a Variant of Uncertain Significance.

Blueprint Genetics
Classification: Likely benign. Last evaluated: 2024-08-23. Review status: criteria provided, single submitter. Criteria: ACMG Guidelines, 2015. Collection method: clinical testing. Allele origin: germline.

Ambry Genetics
Classification: Uncertain significance for Inborn genetic diseases. Last evaluated: 2022-08-08. Review status: criteria provided, single submitter. Criteria: Ambry Variant Classification Scheme 2023. Collection method: clinical testing. Allele origin: germline.

NM_004171.4(SLC1A2):c.1687T>A (p.Cys563Ser)

Gene: SLC1A2 (solute carrier family 1 member 2; minus strand). Cytogenetic location: 11p13.
Variant type: single nucleotide variant.
Coding change: c.1687T>A on transcript NM_004171.4 (MANE Select); coding-DNA position 1687, T replaced by A.
Protein change: p.Cys563Ser; replaces cysteine 563 with serine.
Molecular consequence: missense variant.
Genome position (GRCh38, 1-based): chr11:35,260,932, A>T on the plus strand (T>A on the coding strand, the complement: SLC1A2 is on the minus strand). VCF-style: chr11-35260932-A-T. GRCh37 (hg19) VCF-style: chr11-35282479-A-T.
Other names: c.1687T>A (NM_004171.3); c.1660T>A, p.Cys554Ser (NM_001195728.3, NM_001252652.2); short protein forms C554S, C563S.
Identifiers: ClinVar variation 1362190 (VCV001362190.10), dbSNP rs201454950, ClinGen allele CA5946995.